The following is an entry in ClinVar:

NM_012106.4(ARL2BP):c.190C>A (p.Pro64Thr)

Gene: ARL2BP (ARF like GTPase 2 binding protein; plus strand). Cytogenetic location: 16q13.
Variant type: single nucleotide variant.
Coding change: c.190C>A on transcript NM_012106.4 (MANE Select); coding-DNA position 190, C replaced by A.
Protein change: p.Pro64Thr; replaces proline 64 with threonine.
Molecular consequence: missense variant.
Genome position (GRCh38, 1-based): chr16:57,248,626, C>A. VCF-style: chr16-57248626-C-A. GRCh37 (hg19) VCF-style: chr16-57282538-C-A.
Other names: short protein forms P64T.
Identifiers: ClinVar variation 1040194 (VCV001040194.8), dbSNP rs2075398122, ClinGen allele CA396021836.
Genomic context (GRCh38, chr16:57,248,626, plus strand): 5'-TTCATGGACAAGTACTACCTGGAGTTTGAAGACACAGAAGAGAATAAACTCATCTACACA[C>A]CTATTTTTAATGAATACGTAAGTAGATTTCTATGTCTCCTACCAGGAGGTCAGAGTTTTT-3'
Protein context (NP_036238.1, residues 54-74): DTEENKLIYT[Pro64Thr]IFNEYISLVE

ClinVar aggregate classification (germline): Uncertain significance (1 of 4 stars; one submission).

Allele frequency attached by ClinVar (database versions not stated): gnomAD exomes below 0.00001.
gnomAD v4.1: 1 of 1,583,348 alleles (0.000063%); highest among the groups gnomAD compares: Non-Finnish European, 0.000086%; no homozygotes.

Submission:

Labcorp Genetics (formerly Invitae), Labcorp
Classification: Uncertain significance. Last evaluated: 2020-02-18. Review status: criteria provided, single submitter. Criteria: Invitae Variant Classification Sherloc (09022015). Collection method: clinical testing. Allele origin: germline.
Comment: In summary, the available evidence is currently insufficient to determine the role of this variant in disease. Therefore, it has been classified as a Variant of Uncertain Significance. This sequence change replaces proline with threonine at codon 64 of the ARL2BP protein (p.Pro64Thr). The proline residue is moderately conserved and there is a small physicochemical difference between proline and threonine. This variant is not present in population databases (ExAC no frequency). This variant has not been reported in the literature in individuals with ARL2BP-related conditions. Algorithms developed to predict the effect of missense changes on protein structure and function (SIFT, PolyPhen-2, Align-GVGD) all suggest that this variant is likely to be tolerated, but these predictions have not been confirmed by published functional studies and their clinical significance is uncertain.